The following is an entry in ClinVar:

NM_001849.4(COL6A2):c.901-3C>T

Gene: COL6A2 (collagen type VI alpha 2 chain; plus strand). Cytogenetic location: 21q22.3.
Variant type: single nucleotide variant.
Coding change: c.901-3C>T on transcript NM_001849.4 (MANE Select); 3 bases into the intron before coding-DNA position 901, C replaced by T.
Molecular consequence: intron variant.
Genome position (GRCh38, 1-based): chr21:46,116,374, C>T. VCF-style: chr21-46116374-C-T. GRCh37 (hg19) VCF-style: chr21-47536288-C-T.
Other names: c.901-3C>T (NM_058175.3, NM_058174.3).
Identifiers: ClinVar variation 960214 (VCV000960214.12), dbSNP rs112317259, ClinGen allele CA10071531.

ClinVar aggregate classification (germline): Uncertain significance. Review status: criteria provided, multiple submitters, no conflicts (2 of 4 stars). 2 submissions from 2 submitters: Uncertain significance (2). Last evaluated 2024-12-10.

Conditions:
Bethlem myopathy 1A. Also called: Bethlem Muscular Dystrophy; Bethlem myopathy 1; MYOPATHY, BENIGN CONGENITAL, WITH CONTRACTURES. Identifiers: Orphanet 610, MedGen CN029274, MONDO:0024530, OMIM 158810.

Allele frequency attached by ClinVar (database versions not stated): gnomAD 0.00001 and 0.00002; TOPMed 0.00001; gnomAD exomes 0.00002 and 0.00005; ExAC 0.00005.
gnomAD v4.1: 34 of 1,613,136 alleles (0.0021%); highest among the groups gnomAD compares: Middle Eastern, 0.033%; no homozygotes.

Submissions (2):

Labcorp Genetics (formerly Invitae), Labcorp
Classification: Uncertain significance for Bethlem myopathy 1A. Last evaluated: 2024-12-10. Review status: criteria provided, single submitter. Criteria: Invitae Variant Classification Sherloc (09022015). Collection method: clinical testing. Allele origin: germline.
Comment: This sequence change falls in intron 7 of the COL6A2 gene. It does not directly change the encoded amino acid sequence of the COL6A2 protein. It affects a nucleotide within the consensus splice site. This variant is present in population databases (rs112317259, gnomAD 0.02%). This variant has not been reported in the literature in individuals affected with COL6A2-related conditions. ClinVar contains an entry for this variant (Variation ID: 960214). Variants that disrupt the consensus splice site are a relatively common cause of aberrant splicing (PMID: 17576681, 9536098). Algorithms developed to predict the effect of sequence changes on RNA splicing suggest that this variant is not likely to affect RNA splicing. In summary, the available evidence is currently insufficient to determine the role of this variant in disease. Therefore, it has been classified as a Variant of Uncertain Significance.

Revvity Omics, Revvity
Classification: Uncertain significance. Last evaluated: 2019-04-24. Review status: criteria provided, single submitter. Criteria: ACMG Guidelines, 2015. Collection method: clinical testing. Allele origin: germline.

Literature cited by the submitters: PubMed 17576681 (cited by Labcorp Genetics (formerly Invitae), Labcorp); PubMed 9536098 (cited by Labcorp Genetics (formerly Invitae), Labcorp).